The following is an entry in ClinVar:

NM_000161.3(GCH1):c.184G>C (p.Glu62Gln)

Gene: GCH1 (GTP cyclohydrolase 1; minus strand). Cytogenetic location: 14q22.2.
Variant type: single nucleotide variant.
Coding change: c.184G>C on transcript NM_000161.3 (MANE Select); coding-DNA position 184, G replaced by C.
Protein change: p.Glu62Gln; replaces glutamic acid 62 with glutamine.
Molecular consequence: missense variant.
Genome position (GRCh38, 1-based): chr14:54,902,480, C>G on the plus strand (G>C on the coding strand, the complement: GCH1 is on the minus strand). VCF-style: chr14-54902480-C-G. GRCh37 (hg19) VCF-style: chr14-55369198-C-G.
Other names: c.184G>C, p.Glu62Gln (NM_001024024.2, NM_001024070.2, NM_001024071.2 and 1 more transcripts); short protein forms E62Q.
Identifiers: ClinVar variation 3769077 (VCV003769077.2).
Genomic context (GRCh38, chr14:54,902,480, plus strand): 5'-GCGAGCTCAGGATGGACGAGTAGGCGGCTGCCAGGTTAGGGAGGTTCAGCTCGTTATCCT[C>G]CTCGCTGCGGGGCCGCTCGCCCTTCCAGCCGTCCGCGGGCTGCGCGCTCTTGGCCTCGGG-3'
Protein context (NP_000152.1, residues 52-72): GWKGERPRSE[Glu62Gln]DNELNLPNLA

ClinVar aggregate classification (germline): Uncertain significance (1 of 4 stars; one submission).

Submission:

Women's Health and Genetics/Laboratory Corporation of America, LabCorp
Classification: Uncertain significance. Last evaluated: 2025-01-15. Review status: criteria provided, single submitter. Criteria: LabCorp Variant Classification Summary - May 2015. Collection method: clinical testing. Allele origin: germline.
Comment: Variant summary: GCH1 c.184G>C (p.Glu62Gln) results in a conservative amino acid change in the encoded protein sequence. Three of five in-silico tools predict a benign effect of the variant on protein function. The variant was absent in 243668 control chromosomes. The available data on variant occurrences in the general population are insufficient to allow any conclusion about variant significance. To our knowledge, no occurrence of c.184G>C in individuals affected with GTP Cyclohydrolase I Deficiency and no experimental evidence demonstrating its impact on protein function have been reported. No submitters have cited clinical-significance assessments for this variant to ClinVar. Based on the evidence outlined above, the variant was classified as uncertain significance.